The following is an entry in ClinVar:

NM_152419.3(HGSNAT):c.7G>C (p.Gly3Arg)

Genes: HGSNAT (heparan-alpha-glucosaminide N-acetyltransferase; plus strand), LOC130000316 (ATAC-STARR-seq lymphoblastoid silent region 19164; plus strand). Cytogenetic location: 8p11.21.
Variant type: single nucleotide variant.
Coding change: c.7G>C on transcript NM_152419.3 (MANE Select); coding-DNA position 7, G replaced by C.
Protein change: p.Gly3Arg; replaces glycine 3 with arginine.
Molecular consequence: missense variant. On other transcripts: 5 prime UTR variant (1).
Genome position (GRCh38, 1-based): chr8:43,140,503, G>C. VCF-style: chr8-43140503-G-C. GRCh37 (hg19) VCF-style: chr8-42995646-G-C.
Other names: c.7G>C, p.Gly3Arg (NM_001363227.2, NM_001363228.2); c.-827G>C (NM_001363229.2); short protein forms G3R.
Identifiers: ClinVar variation 1040702 (VCV001040702.2), dbSNP rs1387365931, ClinGen allele CA371124500.

ClinVar aggregate classification (germline): Uncertain significance (1 of 4 stars; one submission).

Conditions:
Mucopolysaccharidosis, MPS-III-C (MPS3C). Also called: MPS IIIC (Sanfilippo Syndrome Type C); MUCOPOLYSACCHARIDOSIS, TYPE IIIC; Mucopolysaccharidosis type IIIC (Sanfilippo C); mucopolysaccharidosis type 3C; SANFILIPPO SYNDROME C; MPS III C. Identifiers: Orphanet 581, Orphanet 79271, MedGen C0086649, MONDO:0009657, OMIM 252930.
Retinitis pigmentosa 73 (RP73). Identifiers: Orphanet 791, MedGen C4225287, MONDO:0014687, OMIM 616544.

Allele frequency attached by ClinVar (database versions not stated): gnomAD 0.00001; TOPMed below 0.00001.
gnomAD v4.1: 3 of 1,044,416 alleles (0.00029%); highest among the groups gnomAD compares: Admixed American, 0.0057%; no homozygotes.

Submission:

Labcorp Genetics (formerly Invitae), Labcorp
Classification: Uncertain significance for Retinitis pigmentosa 73; Mucopolysaccharidosis, MPS-III-C. Last evaluated: 2021-08-24. Review status: criteria provided, single submitter. Criteria: Invitae Variant Classification Sherloc (09022015). Collection method: clinical testing. Allele origin: germline.
Comment: This sequence change replaces glycine with arginine at codon 3 of the HGSNAT protein (p.Gly3Arg). The glycine residue is weakly conserved and there is a moderate physicochemical difference between glycine and arginine. The frequency data for this variant in the population databases is considered unreliable, as metrics indicate insufficient coverage at this position in the ExAC database. This variant has not been reported in the literature in individuals affected with HGSNAT-related conditions. Algorithms developed to predict the effect of missense changes on protein structure and function output the following: SIFT: "Deleterious"; PolyPhen-2: "Not Available"; Align-GVGD: "Class C0". The arginine amino acid residue is found in multiple mammalian species, which suggests that this missense change does not adversely affect protein function. In summary, the available evidence is currently insufficient to determine the role of this variant in disease. Therefore, it has been classified as a Variant of Uncertain Significance.